The following is an entry in ClinVar:

ClinVar aggregate classification (germline): Pathogenic/Likely pathogenic. Review status: criteria provided, multiple submitters, no conflicts (2 of 4 stars). 3 submissions from 3 submitters: Pathogenic (2); Likely pathogenic (1). Last evaluated 2024-07-05.

Conditions:
ERCC2-related disorder. Also called: ERCC2-related disorders; ERCC2-related conditions; ERCC2-related condition. Identifiers: MedGen CN239291.
Cerebrooculofacioskeletal syndrome 2 (COFS2). Identifiers: MedGen C1853102, MONDO:0012553, OMIM 610756.

Submissions (3):

Myriad Genetics, Inc.
Classification: Pathogenic for ERCC2-related disorder. Last evaluated: 2024-07-05. Review status: criteria provided, single submitter. Criteria: Myriad Autosomal Dominant, Autosomal Recessive and X-Linked Classification Criteria (2023). Collection method: clinical testing. Allele origin: unknown.
Comment: NM_000400.3(ERCC2):c.1293dupC(I432Hfs*18) is expected to be pathogenic in the context of ERCC2-related disorders. This variant is predicted to lead to an abnormal or absent protein product due to the creation of a premature termination codon in ERCC2, a gene where loss-of-function variants are known to be pathogenic. Please note: this variant was assessed in the context of healthy population screening.

Labcorp Genetics (formerly Invitae), Labcorp
Classification: Pathogenic. Last evaluated: 2023-09-19. Review status: criteria provided, single submitter. Criteria: Invitae Variant Classification Sherloc (09022015). Collection method: clinical testing. Allele origin: germline.
Comment: This sequence change creates a premature translational stop signal (p.Ile432Hisfs*18) in the ERCC2 gene. It is expected to result in an absent or disrupted protein product. Loss-of-function variants in ERCC2 are known to be pathogenic (PMID: 9238033, 11335038, 19085937, 19934020). This variant is present in population databases (no rsID available, gnomAD 0.007%). This variant has not been reported in the literature in individuals affected with ERCC2-related conditions. For these reasons, this variant has been classified as Pathogenic.

Baylor Genetics
Classification: Likely pathogenic for Cerebrooculofacioskeletal syndrome 2. Last evaluated: 2023-07-31. Review status: criteria provided, single submitter. Criteria: ACMG Guidelines, 2015. Collection method: clinical testing. Allele origin: unknown.

Literature cited by the submitters: PubMed 9238033 (cited by Labcorp Genetics (formerly Invitae), Labcorp); PubMed 11335038 (cited by Labcorp Genetics (formerly Invitae), Labcorp); PubMed 19085937 (cited by Labcorp Genetics (formerly Invitae), Labcorp); PubMed 19934020 (cited by Labcorp Genetics (formerly Invitae), Labcorp).

NM_000400.4(ERCC2):c.1293dup (p.Ile432fs)

Gene: ERCC2 (ERCC excision repair 2, TFIIH core complex helicase subunit; minus strand). Cytogenetic location: 19q13.32.
Variant type: Duplication.
Coding change: c.1293dup on transcript NM_000400.4 (MANE Select); coding-DNA position 1293, one base duplicated (C; older notation c.1293dupC).
Protein change: p.Ile432fs; shifts the reading frame from isoleucine 432.
Molecular consequence: frameshift variant.
Genome position (GRCh38, 1-based): chr19:45,357,644, G duplicated on the plus strand (C on the coding strand, the reverse complement: ERCC2 is on the minus strand); the first of 4 consecutive G bases (chr19:45,357,644-45,357,647); duplicating any one gives the same sequence. VCF-style (leftmost placement, unchanged base first): chr19-45357643-T-TG. GRCh37 (hg19) VCF-style: chr19-45860901-T-TG.
Other names: short protein forms I432fs.
Identifiers: ClinVar variation 2675043 (VCV002675043.5), dbSNP rs1266915084, ClinGen allele CA633480492.